The following is an entry in ClinVar:

ClinVar aggregate classification (germline): Conflicting classifications of pathogenicity. Review status: criteria provided, conflicting classifications (1 of 4 stars). 3 submissions from 3 submitters: Uncertain significance (2); Likely benign (1). Last evaluated 2025-09-14.

Conditions:
COL11A1-related disorder. Also called: COL11A1-related condition; COL11A1-related disorders.

Allele frequency attached by ClinVar (database versions not stated): gnomAD exomes below 0.00001; TOPMed below 0.00001; gnomAD 0.00001; ExAC 0.00002.
gnomAD v4.1: 6 of 1,613,724 alleles (0.00037%); highest among the groups gnomAD compares: Middle Eastern, 0.016%; no homozygotes.

Submissions (3):

PreventionGenetics, part of Exact Sciences
Classification: Uncertain significance for COL11A1-related condition. Last evaluated: 2025-09-14. Review status: criteria provided, single submitter. Criteria: ACMG Guidelines, 2015. Collection method: clinical testing. Allele origin: germline.
Comment: The COL11A1 c.1099G>A variant is predicted to result in the amino acid substitution p.Gly367Ser. This variant does not occur within the conserved collagen triple helical domain. To our knowledge, this variant has not been reported in the literature. This variant is reported in 0.0029% of alleles in individuals of Latino descent in gnomAD. At this time, the clinical significance of this variant is uncertain due to the absence of conclusive functional and genetic evidence.

Labcorp Genetics (formerly Invitae), Labcorp
Classification: Likely benign. Last evaluated: 2024-02-22. Review status: criteria provided, single submitter. Criteria: Invitae Variant Classification Sherloc (09022015). Collection method: clinical testing. Allele origin: germline.

GeneDx
Classification: Uncertain significance. Last evaluated: 2019-08-16. Review status: criteria provided, single submitter. Criteria: GeneDx Variant Classification Process June 2021. Collection method: clinical testing. Allele origin: germline. Affected: yes.
Comment: Not observed at a significant frequency in large population cohorts (Lek et al., 2016); In silico analysis, which includes protein predictors and evolutionary conservation, supports that this variant does not alter protein structure/function; Has not been previously published as pathogenic or benign to our knowledge

NM_001854.4(COL11A1):c.1099G>A (p.Gly367Ser)

Gene: COL11A1 (collagen type XI alpha 1 chain; minus strand). Cytogenetic location: 1p21.1.
Variant type: single nucleotide variant.
Coding change: c.1099G>A on transcript NM_001854.4 (MANE Select); coding-DNA position 1099, G replaced by A.
Protein change: p.Gly367Ser; replaces glycine 367 with serine.
Molecular consequence: missense variant. On other transcripts: non-coding transcript variant (1), intron variant (1).
Genome position (GRCh38, 1-based): chr1:103,022,888, C>T on the plus strand (G>A on the coding strand, the complement: COL11A1 is on the minus strand). VCF-style: chr1-103022888-C-T. GRCh37 (hg19) VCF-style: chr1-103488444-C-T.
Other names: c.982G>A, p.Gly328Ser (NM_001190709.2); c.1135G>A, p.Gly379Ser (NM_080629.3); c.898-1119G>A (NM_080630.4); short protein forms G328S, G367S, G379S.
Identifiers: ClinVar variation 1307892 (VCV001307892.7), dbSNP rs748391176, ClinGen allele CA975114.